The following is an entry in ClinVar:

NM_001035.3(RYR2):c.12230C>A (p.Thr4077Asn)

Gene: RYR2 (ryanodine receptor 2; plus strand). Cytogenetic location: 1q43.
Variant type: single nucleotide variant.
Coding change: c.12230C>A on transcript NM_001035.3 (MANE Select); coding-DNA position 12230, C replaced by A.
Protein change: p.Thr4077Asn; replaces threonine 4077 with asparagine.
Molecular consequence: missense variant.
Genome position (GRCh38, 1-based): chr1:237,783,942, C>A. VCF-style: chr1-237783942-C-A. GRCh37 (hg19) VCF-style: chr1-237947242-C-A.
Other names: short protein forms T4077N.
Identifiers: ClinVar variation 3075081 (VCV003075081.1), dbSNP rs1227467062, ClinGen allele CA345412690.
Genomic context (GRCh38, chr1:237,783,942, plus strand): 5'-ACTACACGCAGTCAGAAACGGAATTTCTTTTGTCTTGTGCGGAGACGGATGAGAATGAAA[C>A]CCTCGACTACGAAGAGTTCGTCAAACGCTTCCACGAACCTGCGAAGGACATCGGCTTCAA-3'
Protein context (NP_001026.2, residues 4067-4087): LSCAETDENE[Thr4077Asn]LDYEEFVKRF

ClinVar aggregate classification (germline): Uncertain significance (1 of 4 stars; one submission).

Conditions:
Catecholaminergic polymorphic ventricular tachycardia (CVPT). Also called: Catecholamine-induced polymorphic ventricular tachycardia. Identifiers: Orphanet 3286, MedGen C5574922, MONDO:0017990.

Allele frequency attached by ClinVar (database versions not stated): gnomAD exomes below 0.00001.
gnomAD v4.1: 1 of 1,613,508 alleles (0.000062%); highest among the groups gnomAD compares: Non-Finnish European, 0.000085%; no homozygotes.

Submission:

All of Us Research Program, National Institutes of Health
Classification: Uncertain significance for Catecholaminergic polymorphic ventricular tachycardia. Last evaluated: 2023-12-18. Review status: criteria provided, single submitter. Criteria: ACMG Guidelines, 2015. Collection method: clinical testing. Allele origin: germline. Inheritance: Autosomal dominant inheritance. Observed: 1 variant allele, 1 heterozygote.
Comment: This missense variant replaces threonine with asparagine at codon 4077 of the RYR2 protein. Computational prediction suggests that this variant may not impact protein structure and function (internally defined REVEL score threshold <= 0.5, PMID: 27666373). To our knowledge, functional studies have not been reported for this variant. This variant has not been reported in individuals affected with RYR2-related disorders in the literature. This variant has not been identified in the general population by the Genome Aggregation Database (gnomAD). The available evidence is insufficient to determine the role of this variant in disease conclusively. Therefore, this variant is classified as a Variant of Uncertain Significance.

This study involves interpretation of variants in research participants for the purpose of population health screening. Participant phenotype was not available at the time of variant classification. Additional details can be found in publication PMID: 35346344, PMCID: PMC8962531